The following is an entry in ClinVar:

ClinVar aggregate classification (germline): Uncertain significance. Review status: criteria provided, multiple submitters, no conflicts (2 of 4 stars). 2 submissions from 2 submitters: Uncertain significance (2). Last evaluated 2024-10-08.

Conditions:
Epilepsy, familial focal, with variable foci 3 (FFEVF3). Identifiers: MedGen C4310708, MONDO:0014925, OMIM 617118.

Allele frequency attached by ClinVar (database versions not stated): TOPMed below 0.00001; ExAC 0.00001; gnomAD 0.00001.
gnomAD v4.1: 6 of 1,600,442 alleles (0.00037%); highest among the groups gnomAD compares: East Asian, 0.0023%; no homozygotes.

Submissions (2):

GeneDx
Classification: Uncertain significance. Last evaluated: 2024-10-08. Review status: criteria provided, single submitter. Criteria: GeneDx Variant Classification Process June 2021. Collection method: clinical testing. Allele origin: germline. Affected: yes.
Comment: Not observed at significant frequency in large population cohorts (gnomAD); In silico analysis indicates that this missense variant does not alter protein structure/function; Has not been previously published as pathogenic or benign to our knowledge

Labcorp Genetics (formerly Invitae), Labcorp
Classification: Uncertain significance for Epilepsy, familial focal, with variable foci 3. Last evaluated: 2022-08-23. Review status: criteria provided, single submitter. Criteria: Invitae Variant Classification Sherloc (09022015). Collection method: clinical testing. Allele origin: germline.
Comment: This sequence change replaces aspartic acid, which is acidic and polar, with asparagine, which is neutral and polar, at codon 427 of the NPRL3 protein (p.Asp427Asn). In summary, the available evidence is currently insufficient to determine the role of this variant in disease. Therefore, it has been classified as a Variant of Uncertain Significance. Experimental studies and prediction algorithms are not available or were not evaluated, and the functional significance of this variant is currently unknown. ClinVar contains an entry for this variant (Variation ID: 1404648). This variant has not been reported in the literature in individuals affected with NPRL3-related conditions. The frequency data for this variant in the population databases is considered unreliable, as metrics indicate poor data quality at this position in the gnomAD database.

NM_001077350.3(NPRL3):c.1279G>A (p.Asp427Asn)

Genes: HBA-LCR (alpha-globin locus control region; plus strand), NPRL3 (NPR3 like, GATOR1 complex subunit; minus strand). Cytogenetic location: 16p13.3.
Variant type: single nucleotide variant.
Coding change: c.1279G>A on transcript NM_001077350.3 (MANE Select); coding-DNA position 1279, G replaced by A.
Protein change: p.Asp427Asn; replaces aspartic acid 427 with asparagine.
Molecular consequence: missense variant.
Genome position (GRCh38, 1-based): chr16:89,785, C>T on the plus strand (G>A on the coding strand, the complement: NPRL3 is on the minus strand). VCF-style: chr16-89785-C-T. GRCh37 (hg19) VCF-style: chr16-139783-C-T.
Other names: c.1279G>A (NM_001077350.2); c.742G>A, p.Asp248Asn (NM_001039476.3); c.1045G>A, p.Asp349Asn (NM_001243247.2); c.1204G>A, p.Asp402Asn (NM_001243248.2, NM_001243249.2); short protein forms D349N, D427N, D402N, D248N.
Identifiers: ClinVar variation 1404648 (VCV001404648.7), dbSNP rs769778379, ClinGen allele CA7769388.